The following is an entry in ClinVar:

ClinVar aggregate classification (germline): Uncertain significance (1 of 4 stars; one submission).

Conditions:
Catecholaminergic polymorphic ventricular tachycardia 1. Also called: VENTRICULAR TACHYCARDIA, CATECHOLAMINERGIC POLYMORPHIC, 1, WITH OR WITHOUT ATRIAL DYSFUNCTION AND/OR DILATED CARDIOMYOPATHY; RYR2-Related Catecholaminergic Polymorphic Ventricular Tachycardia; VENTRICULAR TACHYCARDIA, STRESS-INDUCED POLYMORPHIC 1. Identifiers: Orphanet 3286, MedGen C1631597, MONDO:0011484, OMIM 604772.

Submission:

Labcorp Genetics (formerly Invitae), Labcorp
Classification: Uncertain significance for Catecholaminergic polymorphic ventricular tachycardia 1. Last evaluated: 2016-10-05. Review status: criteria provided, single submitter. Criteria: Invitae Variant Classification Sherloc (09022015). Collection method: clinical testing. Allele origin: germline.
Comment: This variant does not occur within one of the three regions of the RYR2 gene (N-terminal domain, central domain, or channel region) where other pathogenic variants have been reported to cluster (PMID: 19926015). In summary, this variant is a novel missense change with uncertain impact on protein function. It has been classified as a Variant of Uncertain Significance. Algorithms developed to predict the effect of missense changes on protein structure and function (SIFT, PolyPhen-2, Align-GVGD) all suggest that this variant is likely to be disruptive, but these predictions have not been confirmed by published functional studies. This variant is not present in population databases (ExAC no frequency) and has not been reported in the literature in individuals with a RYR2-related disease. This sequence change replaces alanine with valine at codon 2213 of the RYR2 protein (p.Ala2213Val). The alanine residue is highly conserved and there is a small physicochemical difference between alanine and valine.

Literature cited by the submitters: PubMed 19926015.

NM_001035.3(RYR2):c.6638C>T (p.Ala2213Val)

Gene: RYR2 (ryanodine receptor 2; plus strand). Cytogenetic location: 1q43.
Variant type: single nucleotide variant.
Coding change: c.6638C>T on transcript NM_001035.3 (MANE Select); coding-DNA position 6638, C replaced by T.
Protein change: p.Ala2213Val; replaces alanine 2213 with valine.
Molecular consequence: missense variant.
Genome position (GRCh38, 1-based): chr1:237,633,660, C>T. VCF-style: chr1-237633660-C-T. GRCh37 (hg19) VCF-style: chr1-237796960-C-T.
Other names: c.6638C>T, p.Ala2213Val (LRG_402t1); short protein forms A2213V.
Identifiers: ClinVar variation 404194 (VCV000404194.10), dbSNP rs1060500144, ClinGen allele CA16610032.